The following is an entry in ClinVar:

ClinVar aggregate classification (germline): Uncertain significance. Review status: criteria provided, multiple submitters, no conflicts (2 of 4 stars). 2 submissions from 2 submitters: Uncertain significance (2). Last evaluated 2026-06-23.

Conditions:
SH2B1-related disorder. Also called: SH2B1-related condition.

Allele frequency attached by ClinVar (database versions not stated): TOPMed below 0.00001; ExAC 0.00001.
gnomAD v4.1: 11 of 1,614,098 alleles (0.00068%); highest among the groups gnomAD compares: Middle Eastern, 0.016%; no homozygotes.

Submissions (2):

PreventionGenetics, part of Exact Sciences
Classification: Uncertain significance for SH2B1-related condition. Last evaluated: 2026-06-23. Review status: criteria provided, single submitter. Criteria: ACMG Guidelines, 2015. Collection method: clinical testing. Allele origin: germline.
Comment: The SH2B1 c.1141C>G variant is predicted to result in the amino acid substitution p.Pro381Ala. To our knowledge, this variant has not been reported in the literature. This variant is reported in 0.0058% of alleles in individuals of Latino descent in gnomAD. At this time, the clinical significance of this variant is uncertain due to the absence of conclusive functional and genetic evidence.

Ambry Genetics
Classification: Uncertain significance. Last evaluated: 2023-07-25. Review status: criteria provided, single submitter. Criteria: Ambry Variant Classification Scheme 2023. Collection method: clinical testing. Allele origin: germline.

NM_001387430.1(SH2B1):c.1141C>G (p.Pro381Ala)

Gene: SH2B1 (SH2B adaptor protein 1; plus strand). Cytogenetic location: 16p11.2.
Variant type: single nucleotide variant.
Coding change: c.1141C>G on transcript NM_001387430.1 (MANE Select); coding-DNA position 1141, C replaced by G.
Protein change: p.Pro381Ala; replaces proline 381 with alanine.
Molecular consequence: missense variant.
Genome position (GRCh38, 1-based): chr16:28,869,215, C>G. VCF-style: chr16-28869215-C-G. GRCh37 (hg19) VCF-style: chr16-28880536-C-G.
Other names: c.1141C>G, p.Pro381Ala (NM_001145795.2, NM_001145796.2, NM_001145797.2 and 4 more transcripts); c.133C>G, p.Pro45Ala (NM_001308294.2); short protein forms P381A, P45A.
Identifiers: ClinVar variation 2599381 (VCV002599381.5), dbSNP rs753661837, ClinGen allele CA7986119.